The following is an entry in ClinVar:

ClinVar aggregate classification (germline): Benign/Likely benign. Review status: criteria provided, multiple submitters, no conflicts (2 of 4 stars). 4 submissions from 4 submitters: Benign (1); Likely benign (3). Last evaluated 2026-04-01.

Conditions:
Classic or attenuated familial adenomatous polyposis. Identifiers: MedGen CN372698, MONDO:0021057.
Hereditary cancer-predisposing syndrome. Also called: Tumor predisposition; Hereditary neoplastic syndrome; Neoplastic Syndromes, Hereditary; Hereditary Cancer Syndrome. Identifiers: Orphanet 140162, MedGen C0027672, MeSH D009386, MONDO:0015356.
Familial adenomatous polyposis 1 (FAP1). Also called: POLYPOSIS, ADENOMATOUS INTESTINAL; FAMILIAL ADENOMATOUS POLYPOSIS 1, ATTENUATED. Identifiers: MedGen C2713442, MONDO:0021056, OMIM 175100. Disease mechanism: loss of function.

Submissions (4):

CeGaT Center for Human Genetics Tuebingen
Classification: Likely benign. Last evaluated: 2026-04-01. Review status: criteria provided, single submitter. Criteria: CeGaT Center For Human Genetics Tuebingen Variant Classification Criteria Version 2. Collection method: clinical testing. Allele origin: germline. Affected: yes. Observed: 1 variant allele.
Comment: APC: PM2:Supporting, BP4, BP7

All of Us Research Program, National Institutes of Health
Classification: Likely benign for Classic or attenuated familial adenomatous polyposis. Last evaluated: 2024-07-23. Review status: criteria provided, single submitter. Criteria: ACMG Guidelines, 2015. Collection method: clinical testing. Allele origin: germline. Inheritance: Autosomal dominant inheritance. Observed: 2 variant alleles, 2 heterozygotes.
Comment: This study involves interpretation of variants in research participants for the purpose of population health screening. Participant phenotype was not available at the time of variant classification. Additional details can be found in publication PMID: 35346344, PMCID: PMC8962531

Myriad Genetics, Inc.
Classification: Benign for Familial adenomatous polyposis 1. Last evaluated: 2024-04-16. Review status: criteria provided, single submitter. Criteria: Myriad Autosomal Dominant, Autosomal Recessive and X-Linked Classification Criteria (2023). Collection method: clinical testing. Allele origin: unknown.
Comment: This variant is considered benign. This variant is a silent/synonymous amino acid change and it is not expected to impact splicing.

Ambry Genetics
Classification: Likely benign for Hereditary cancer-predisposing syndrome. Last evaluated: 2019-03-13. Review status: criteria provided, single submitter. Criteria: Ambry Variant Classification Scheme 2023. Collection method: clinical testing. Allele origin: germline.

NM_000038.6(APC):c.8520G>C (p.Val2840=)

Gene: APC (APC regulator of Wnt signaling pathway; plus strand). Cytogenetic location: 5q22.2.
Variant type: single nucleotide variant.
Coding change: c.8520G>C on transcript NM_000038.6 (MANE Select); coding-DNA position 8520, G replaced by C.
Protein change: p.Val2840=; no amino-acid change (valine 2840 retained).
Molecular consequence: synonymous variant.
Genome position (GRCh38, 1-based): chr5:112,844,114, G>C. VCF-style: chr5-112844114-G-C. GRCh37 (hg19) VCF-style: chr5-112179811-G-C.
Other names: c.8520G>C, p.Val2840= (NM_001127510.3, NM_001354895.2); c.8466G>C, p.Val2822= (NM_001127511.3); c.8574G>C, p.Val2858= (NM_001354896.2); c.8550G>C, p.Val2850= (NM_001354897.2); c.8445G>C, p.Val2815= (NM_001354898.2); c.8436G>C, p.Val2812= (NM_001354899.2); c.8397G>C, p.Val2799= (NM_001354900.2); c.8343G>C, p.Val2781= (NM_001354901.2); and 5 more.
Identifiers: ClinVar variation 822526 (VCV000822526.8), dbSNP rs1580694505, ClinGen allele CA446211496.